The following is an entry in ClinVar:

NM_000179.3(MSH6):c.3173-3C>T

Gene: MSH6 (mutS homolog 6; plus strand). Cytogenetic location: 2p16.3.
Variant type: single nucleotide variant.
Coding change: c.3173-3C>T on transcript NM_000179.3 (MANE Select); 3 bases into the intron before coding-DNA position 3173, C replaced by T.
Molecular consequence: intron variant.
Genome position (GRCh38, 1-based): chr2:47,803,417, C>T. VCF-style: chr2-47803417-C-T. GRCh37 (hg19) VCF-style: chr2-48030556-C-T.
Other names: c.3173-3C>T (NM_001406809.1, NM_001406796.1, NM_001406808.1 and 1 more transcripts); c.2267-3C>T (NM_001406811.1, NM_001406814.1, NM_001281493.2 and 6 more transcripts); c.2876-3C>T (NM_001406805.1, NM_001406797.1, NM_001406801.1 and 10 more transcripts); c.3269-3C>T (NM_001406795.1, NM_001406802.1); c.3179-3C>T (NM_001406813.1); c.2648-3C>T (NM_001406807.1, NM_001406799.1, NM_001406806.1); c.3173-177C>T (NM_001406798.1); c.2309-3C>T (NM_001406803.1); and 7 more.
Identifiers: ClinVar variation 2875258 (VCV002875258.3), dbSNP rs1060502944, ClinGen allele CA2658950252.
Genomic context (GRCh38, chr2:47,803,417, plus strand): 5'-AAACACTTAGGCTGATAAAACCCCCAAACGATGAAGCCTCACTTTTACCCTCTCTTTTAA[C>T]AGATGTTTTACTGTGCCTGGCTAACTATAGTCGAGGGGGTGATGGTCCTATGTGTCGCCC-3'

ClinVar aggregate classification (germline): Uncertain significance (1 of 4 stars; one submission).

Conditions:
Hereditary nonpolyposis colorectal neoplasms. Identifiers: MedGen C0009405, MeSH D003123.

Submission:

Labcorp Genetics (formerly Invitae), Labcorp
Classification: Uncertain significance for Hereditary nonpolyposis colorectal neoplasms. Last evaluated: 2023-05-10. Review status: criteria provided, single submitter. Criteria: Invitae Variant Classification Sherloc (09022015). Collection method: clinical testing. Allele origin: germline.
Comment: In summary, the available evidence is currently insufficient to determine the role of this variant in disease. Therefore, it has been classified as a Variant of Uncertain Significance. Variants that disrupt the consensus splice site are a relatively common cause of aberrant splicing (PMID: 17576681, 9536098). Algorithms developed to predict the effect of sequence changes on RNA splicing suggest that this variant is not likely to affect RNA splicing. This variant has not been reported in the literature in individuals affected with MSH6-related conditions. This variant is not present in population databases (gnomAD no frequency). This sequence change falls in intron 4 of the MSH6 gene. It does not directly change the encoded amino acid sequence of the MSH6 protein. It affects a nucleotide within the consensus splice site.

Literature cited by the submitters: PubMed 17576681; PubMed 9536098.